The following is an entry in ClinVar:

ClinVar aggregate classification (germline): Conflicting classifications of pathogenicity. Review status: criteria provided, conflicting classifications (1 of 4 stars). 5 submissions from 5 submitters: Uncertain significance (1); Likely benign (3). 1 of the submissions does not count toward it. Last evaluated 2025-12-26.

Conditions:
TTN-related disorder. Also called: TTN-related disorders; TTN-related condition; TTN-related disease.
Dilated cardiomyopathy 1G (CMD1G). Identifiers: Orphanet 154, MedGen C1858763, MONDO:0011400, OMIM 604145.
Autosomal recessive limb-girdle muscular dystrophy type 2J (LGMDR10). Also called: Limb-girdle muscular dystrophy, type 2J; MUSCULAR DYSTROPHY, LIMB-GIRDLE, AUTOSOMAL RECESSIVE 10. Identifiers: Orphanet 140922, MedGen C1837342, MONDO:0012127, OMIM 608807.

Allele frequency attached by ClinVar (database versions not stated): gnomAD exomes 0.00001; gnomAD 0.00003 and 0.00004; 1000 Genomes Project 0.00339.
gnomAD v4.1: 25 of 1,518,058 alleles (0.0016%); highest among the groups gnomAD compares: Non-Finnish European, 0.0021%; no homozygotes.

Submissions (5):

Labcorp Genetics (formerly Invitae), Labcorp
Classification: Likely benign for Dilated cardiomyopathy 1G; Autosomal recessive limb-girdle muscular dystrophy type 2J. Last evaluated: 2025-12-26. Review status: criteria provided, single submitter. Criteria: Invitae Variant Classification Sherloc (09022015). Collection method: clinical testing. Allele origin: germline.

Molecular Diagnostic Laboratory for Inherited Cardiovascular Disease, Montreal Heart Institute
Classification: Likely benign. Last evaluated: 2025-04-09. Review status: criteria provided, single submitter. Criteria: ACMG Guidelines, 2015. Collection method: clinical testing. Allele origin: germline. Affected: no.

Revvity Omics, Revvity
Classification: Uncertain significance. Last evaluated: 2025-01-23. Review status: criteria provided, single submitter. Criteria: ACMG Guidelines, 2015. Collection method: clinical testing. Allele origin: germline.

Blueprint Genetics
Classification: Likely benign. Last evaluated: 2022-05-25. Review status: criteria provided, single submitter. Criteria: ACMG Guidelines, 2015. Collection method: clinical testing. Allele origin: germline.

PreventionGenetics, part of Exact Sciences
Classification: Likely benign for TTN-related condition. Last evaluated: 2019-10-04. Review status: no assertion criteria provided. Collection method: clinical testing. Allele origin: germline. Not counted in ClinVar's aggregate classification.
Comment: This variant is classified as likely benign based on ACMG/AMP sequence variant interpretation guidelines (Richards et al. 2015 PMID: 25741868, with internal and published modifications).

NM_001267550.2(TTN):c.30702G>A (p.Lys10234=)

Gene: TTN (titin; minus strand). Cytogenetic location: 2q31.2.
Variant type: single nucleotide variant.
Coding change: c.30702G>A on transcript NM_001267550.2 (MANE Select); coding-DNA position 30702, G replaced by A.
Protein change: p.Lys10234=; no amino-acid change (lysine 10234 retained).
Molecular consequence: synonymous variant. On other transcripts: intron variant (3).
Genome position (GRCh38, 1-based): chr2:178,698,895, C>T on the plus strand (G>A on the coding strand, the complement: TTN is on the minus strand). VCF-style: chr2-178698895-C-T. GRCh37 (hg19) VCF-style: chr2-179563622-C-T.
Other names: c.13282+39187G>A (NM_003319.4); c.13858+39187G>A (NM_133437.4); c.13657+39187G>A (NM_133432.3); c.29751G>A, p.Lys9917= (NM_001256850.1); c.26970G>A, p.Lys8990= (NM_133378.4).
Identifiers: ClinVar variation 707269 (VCV000707269.14), dbSNP rs573246972, ClinGen allele CA60993676.